The following is an entry in ClinVar:

ClinVar aggregate classification (germline): Uncertain significance. Review status: criteria provided, multiple submitters, no conflicts (2 of 4 stars). 2 submissions from 2 submitters: Uncertain significance (2). Last evaluated 2025-01-01.

Allele frequency attached by ClinVar (database versions not stated): gnomAD 0.00001; gnomAD exomes 0.00001; TOPMed 0.00002; ExAC 0.00003.
gnomAD v4.1: 14 of 1,614,012 alleles (0.00087%); highest among the groups gnomAD compares: East Asian, 0.029%; no homozygotes.

Submissions (2):

Labcorp Genetics (formerly Invitae), Labcorp
Classification: Uncertain significance. Last evaluated: 2025-01-01. Review status: criteria provided, single submitter. Criteria: Invitae Variant Classification Sherloc (09022015). Collection method: clinical testing. Allele origin: germline.
Comment: This sequence change replaces glutamine, which is neutral and polar, with arginine, which is basic and polar, at codon 37 of the RFWD3 protein (p.Gln37Arg). The frequency data for this variant in the population databases is considered unreliable, as metrics indicate poor data quality at this position in the gnomAD database. This variant has not been reported in the literature in individuals affected with RFWD3-related conditions. ClinVar contains an entry for this variant (Variation ID: 2492084). An algorithm developed to predict the effect of missense changes on protein structure and function (PolyPhen-2) suggests that this variant is likely to be tolerated. In summary, the available evidence is currently insufficient to determine the role of this variant in disease. Therefore, it has been classified as a Variant of Uncertain Significance.

Ambry Genetics
Classification: Uncertain significance. Last evaluated: 2023-03-01. Review status: criteria provided, single submitter. Criteria: Ambry Variant Classification Scheme 2023. Collection method: clinical testing. Allele origin: germline.

NM_018124.4(RFWD3):c.110A>G (p.Gln37Arg)

Gene: RFWD3 (ring finger and WD repeat domain 3; minus strand). Cytogenetic location: 16q23.1.
Variant type: single nucleotide variant.
Coding change: c.110A>G on transcript NM_018124.4 (MANE Select); coding-DNA position 110, A replaced by G.
Protein change: p.Gln37Arg; replaces glutamine 37 with arginine.
Molecular consequence: missense variant. On other transcripts: 5 prime UTR variant (4), intron variant (1).
Genome position (GRCh38, 1-based): chr16:74,661,340, T>C on the plus strand (A>G on the coding strand, the complement: RFWD3 is on the minus strand). VCF-style: chr16-74661340-T-C. GRCh37 (hg19) VCF-style: chr16-74695238-T-C.
Other names: c.110A>G, p.Gln37Arg (NM_001370534.1, NM_001370535.1, NM_001370536.1); c.-899A>G (NM_001370537.1); c.-522A>G (NM_001370539.1, NM_001370541.1); c.-776A>G (NM_001370542.1); c.-654A>G (NM_001370543.1); c.-317+3284A>G (NM_001370540.1); short protein forms Q37R.
Identifiers: ClinVar variation 2492084 (VCV002492084.5), dbSNP rs1340964229, ClinGen allele CA8169646.